The following is an entry in ClinVar:

ClinVar aggregate classification (germline): Benign. Review status: criteria provided, multiple submitters, no conflicts (2 of 4 stars). 4 submissions from 4 submitters: Benign (3). 1 of the submissions does not count toward it. Last evaluated 2025-12-23.

Conditions:
RNF213-related disorder. Also called: RNF213-related condition.

Allele frequency attached by ClinVar (database versions not stated): gnomAD exomes 0.00058 and 0.00154; ExAC 0.00190; ESP Exome Variant Server 0.00561; gnomAD 0.00590 and 0.00638; 1000 Genomes Project 0.00639; 1000 Genomes Project 30x 0.00640; TOPMed 0.00662.
gnomAD v4.1: 1,759 of 1,613,858 alleles (0.11%); highest among the groups gnomAD compares: African/African-American, 2.1%; 27 homozygotes.

Submissions (5):

Labcorp Genetics (formerly Invitae), Labcorp
Classification: Benign. Last evaluated: 2025-12-23. Review status: criteria provided, single submitter. Criteria: Invitae Variant Classification Sherloc (09022015). Collection method: clinical testing. Allele origin: germline.

Mayo Clinic Laboratories, Mayo Clinic
Classification: Benign. Last evaluated: 2024-05-31. Review status: criteria provided, single submitter. Criteria: ACMG Guidelines, 2015. Collection method: clinical testing. Allele origin: germline. Observed: 2 variant alleles.
Comment: BS1, BS2, BP4

Breakthrough Genomics
Classification: Benign. Review status: criteria provided, single submitter. Criteria: ACMG Guidelines, 2015. Collection method: not provided. Allele origin: germline. Inheritance: Autosomal dominant inheritance. Affected: yes.

PreventionGenetics, part of Exact Sciences
Classification: Benign for RNF213-related condition. Last evaluated: 2019-04-25. Review status: no assertion criteria provided. Collection method: clinical testing. Allele origin: germline. Not counted in ClinVar's aggregate classification.
Comment: This variant is classified as benign based on ACMG/AMP sequence variant interpretation guidelines (Richards et al. 2015 PMID: 25741868, with internal and published modifications).

Dr. Peter K. Rogan Lab, Western University
No classification provided (evidence only). Condition: Ovarian serous cystadenocarcinoma. Review status: no classification provided. Collection method: in vitro. Allele origin: not applicable. Functional consequence: retained intron. Not counted in ClinVar's aggregate classification.

NM_001256071.3(RNF213):c.971C>G (p.Ala324Gly)

Gene: RNF213 (ring finger protein 213; plus strand). Cytogenetic location: 17q25.3.
Variant type: single nucleotide variant.
Coding change: c.971C>G on transcript NM_001256071.3 (MANE Select); coding-DNA position 971, C replaced by G.
Protein change: p.Ala324Gly; replaces alanine 324 with glycine.
Molecular consequence: missense variant.
Genome position (GRCh38, 1-based): chr17:80,289,696, C>G. VCF-style: chr17-80289696-C-G. GRCh37 (hg19) VCF-style: chr17-78263495-C-G.
Other names: p.Ala324Gly; c.971C>G, p.Ala324Gly (NM_020954.4); short protein forms A324G.
Identifiers: ClinVar variation 727638 (VCV000727638.12), dbSNP rs114454593, ClinGen allele CA8819413.